The following is an entry in ClinVar:

NM_005912.3(MC4R):c.676A>T (p.Ile226Phe)

Gene: MC4R (melanocortin 4 receptor; minus strand). Cytogenetic location: 18q21.32.
Variant type: single nucleotide variant.
Coding change: c.676A>T on transcript NM_005912.3 (MANE Select); coding-DNA position 676, A replaced by T.
Protein change: p.Ile226Phe; replaces isoleucine 226 with phenylalanine.
Molecular consequence: missense variant.
Genome position (GRCh38, 1-based): chr18:60,371,674, T>A on the plus strand (A>T on the coding strand, the complement: MC4R is on the minus strand). VCF-style: chr18-60371674-T-A. GRCh37 (hg19) VCF-style: chr18-58038907-T-A.
Other names: short protein forms I226F.
Identifiers: ClinVar variation 4989857 (VCV004989857.1).

ClinVar aggregate classification (germline): Uncertain significance (1 of 4 stars; one submission).

Conditions:
MC4R-related disorder. Also called: MC4R-related condition.

gnomAD v4.1: 1 of 1,614,080 alleles (0.000062%); highest among the groups gnomAD compares: Admixed American, 0.0017%; no homozygotes.

Submission:

PreventionGenetics, part of Exact Sciences
Classification: Uncertain significance for MC4R-related condition. Last evaluated: 2026-07-29. Review status: criteria provided, single submitter. Criteria: ACMG Guidelines, 2015. Collection method: clinical testing. Allele origin: germline.
Comment: The MC4R c.676A>T variant is predicted to result in the amino acid substitution p.Ile226Phe. To our knowledge, this variant has not been reported in the literature. This variant is reported in 0.0029% of alleles in individuals of Latino descent in gnomAD. A different variant at the same amino acid position, c.677T>C, p.Ile226Thr, has been identified in two individuals with obesity (Hinney et al. 2006. PubMed ID: 16492696; Kaisa Valli-Jaakola et al. 2004. PubMed ID: 14764818). In vitro functional studies revealed that the p.Ile226Thr variant has a similar cell surface expression levels and ligand response and potency compared to wild type (Xiang et al. 2010. PubMed ID: 20462274; Kim et al. 2007. PubMed ID: 17986382). At this time, the clinical significance of the p.Ile226Phe variant is uncertain due to the absence of conclusive functional and genetic evidence.